The following is an entry in ClinVar:

NM_000051.4(ATM):c.3092A>T (p.Glu1031Val)

Gene: ATM (ATM serine/threonine kinase; plus strand). Cytogenetic location: 11q22.3.
Variant type: single nucleotide variant.
Coding change: c.3092A>T on transcript NM_000051.4 (MANE Select); coding-DNA position 3092, A replaced by T.
Protein change: p.Glu1031Val; replaces glutamic acid 1031 with valine.
Molecular consequence: missense variant.
Genome position (GRCh38, 1-based): chr11:108,272,546, A>T. VCF-style: chr11-108272546-A-T. GRCh37 (hg19) VCF-style: chr11-108143273-A-T.
Other names: c.3092A>T, p.Glu1031Val (NM_001351834.2); short protein forms E1031V.
Identifiers: ClinVar variation 453448 (VCV000453448.17), dbSNP rs758708495, ClinGen allele CA382515059.

ClinVar aggregate classification (germline): Conflicting classifications of pathogenicity. Review status: criteria provided, conflicting classifications (1 of 4 stars). 3 submissions from 3 submitters: Likely pathogenic (1); Uncertain significance (2). Last evaluated 2025-04-12.

Conditions:
Hereditary cancer-predisposing syndrome. Also called: Tumor predisposition; Hereditary Cancer Syndrome; Neoplastic Syndromes, Hereditary; Hereditary neoplastic syndrome. Identifiers: Orphanet 140162, MedGen C0027672, MeSH D009386, MONDO:0015356.
Ataxia-telangiectasia syndrome (AT). Also called: Cerebello-oculocutaneous telangiectasia; Immunodeficiency with ataxia telangiectasia; Ataxia-telangiectasia, complementation group D; AT, COMPLEMENTATION GROUP C; Ataxia-telangiectasia, complementation group E; LOUIS-BAR SYNDROME. Identifiers: Orphanet 100, MedGen C0004135, MONDO:0008840, OMIM 208900.

Submissions (3):

Ambry Genetics
Classification: Likely pathogenic for Hereditary cancer-predisposing syndrome. Last evaluated: 2025-04-12. Review status: criteria provided, single submitter. Criteria: Ambry Variant Classification Scheme 2023. Collection method: clinical testing. Allele origin: germline.
Comment: The c.3092A>T variant (also known as p.E1031V), located in coding exon 20 of the ATM gene, results from an A to T substitution at nucleotide position 3092. This nucleotide position is well conserved in available vertebrate species. This variant is considered to be rare based on population cohorts in the Genome Aggregation Database (gnomAD). In silico splice site analysis predicts that this alteration will weaken the native splice acceptor site. RNA studies have demonstrated that this alteration results in abnormal splicing in the set of samples tested (Ambry internal data). Based on the majority of available evidence to date, this variant is likely to be pathogenic.

Labcorp Genetics (formerly Invitae), Labcorp
Classification: Uncertain significance for Ataxia-telangiectasia syndrome. Last evaluated: 2023-03-07. Review status: criteria provided, single submitter. Criteria: Invitae Variant Classification Sherloc (09022015). Collection method: clinical testing. Allele origin: germline.
Comment: This sequence change replaces glutamic acid, which is acidic and polar, with valine, which is neutral and non-polar, at codon 1031 of the ATM protein (p.Glu1031Val). This variant is not present in population databases (gnomAD no frequency). This variant has not been reported in the literature in individuals affected with ATM-related conditions. ClinVar contains an entry for this variant (Variation ID: 453448). An algorithm developed to predict the effect of missense changes on protein structure and function (PolyPhen-2) suggests that this variant is likely to be tolerated. Algorithms developed to predict the effect of sequence changes on RNA splicing suggest that this variant may disrupt the consensus splice site. In summary, the available evidence is currently insufficient to determine the role of this variant in disease. Therefore, it has been classified as a Variant of Uncertain Significance.

Color Diagnostics, LLC DBA Color Health
Classification: Uncertain significance for Hereditary cancer-predisposing syndrome. Last evaluated: 2020-05-26. Review status: criteria provided, single submitter. Criteria: ACMG Guidelines, 2015. Collection method: clinical testing. Allele origin: germline.
Comment: This missense variant replaces glutamic acid with valine at codon 1031 of the ATM protein. Computational prediction suggests that this variant may not impact protein structure and function (internally defined REVEL score threshold <= 0.5, PMID: 27666373). To our knowledge, functional studies have not been reported for this variant. This variant has not been reported in individuals affected with hereditary cancer in the literature. This variant has not been identified in the general population by the Genome Aggregation Database (gnomAD). The available evidence is insufficient to determine the role of this variant in disease conclusively. Therefore, this variant is classified as a Variant of Uncertain Significance.